The following is an entry in ClinVar:

NM_144997.7(FLCN):c.1433-5C>T

Gene: FLCN (folliculin; minus strand). Cytogenetic location: 17p11.2.
Variant type: single nucleotide variant.
Coding change: c.1433-5C>T on transcript NM_144997.7 (MANE Select); 5 bases into the intron before coding-DNA position 1433, C replaced by T.
Molecular consequence: intron variant.
Genome position (GRCh38, 1-based): chr17:17,215,095, G>A on the plus strand (C>T on the coding strand, the complement: FLCN is on the minus strand). VCF-style: chr17-17215095-G-A. GRCh37 (hg19) VCF-style: chr17-17118409-G-A.
Other names: c.1433-5C>T (NM_001353231.2, NM_001353230.2); c.1487-5C>T (NM_001353229.2).
Identifiers: ClinVar variation 2765879 (VCV002765879.4), dbSNP rs781046590, ClinGen allele CA8415961.

ClinVar aggregate classification (germline): Likely benign. Review status: criteria provided, multiple submitters, no conflicts (2 of 4 stars). 2 submissions from 2 submitters: Likely benign (2). Last evaluated 2024-10-25.

Conditions:
Birt-Hogg-Dube syndrome 1 (BHD1). Also called: FIBROFOLLICULOMAS WITH TRICHODISCOMAS AND ACROCHORDONS. Identifiers: Orphanet 122, MedGen CN375946, MONDO:0800445, OMIM 135150.
Birt-Hogg-Dube syndrome. Also called: Birt Hogg Dubé syndrome. Identifiers: Orphanet 122, MedGen C0346010, MONDO:0800444.

Allele frequency attached by ClinVar (database versions not stated): ExAC 0.00001.
gnomAD v4.1: 2 of 1,614,096 alleles (0.00012%); highest among the groups gnomAD compares: Non-Finnish European, 0.00017%; no homozygotes.

Submissions (2):

Myriad Genetics, Inc.
Classification: Likely benign for Birt-Hogg-Dube syndrome 1. Last evaluated: 2024-10-25. Review status: criteria provided, single submitter. Criteria: Myriad Autosomal Dominant, Autosomal Recessive and X-Linked Classification Criteria (2023). Collection method: clinical testing. Allele origin: unknown.
Comment: This variant is considered likely benign. This variant is intronic and is not expected to impact mRNA splicing.

Labcorp Genetics (formerly Invitae), Labcorp
Classification: Likely benign for Birt-Hogg-Dube syndrome. Last evaluated: 2024-05-29. Review status: criteria provided, single submitter. Criteria: Invitae Variant Classification Sherloc (09022015). Collection method: clinical testing. Allele origin: germline.